The following is an entry in ClinVar:

ClinVar aggregate classification (germline): Uncertain significance (1 of 4 stars; one submission).

gnomAD v4.1: 2 of 1,614,084 alleles (0.00012%); highest among the groups gnomAD compares: African/African-American, 0.0013%; no homozygotes.

Submission:

Women's Health and Genetics/Laboratory Corporation of America, LabCorp
Classification: Uncertain significance. Last evaluated: 2025-04-17. Review status: criteria provided, single submitter. Criteria: LabCorp Variant Classification Summary - May 2015. Collection method: clinical testing. Allele origin: germline.
Comment: Variant summary: PEX26 c.349C>T (p.Pro117Ser) results in a non-conservative amino acid change in the encoded protein sequence. Five of five in-silico tools predict a damaging effect of the variant on protein function. The variant was absent in 251470 control chromosomes. The available data on variant occurrences in the general population are insufficient to allow any conclusion about variant significance. To our knowledge, no occurrence of c.349C>T in individuals affected with Zellweger Syndrome and no experimental evidence demonstrating its impact on protein function have been reported. No submitters have cited clinical-significance assessments for this variant to ClinVar. Based on the evidence outlined above, the variant was classified as uncertain significance.

NM_001127649.3(PEX26):c.349C>T (p.Pro117Ser)

Gene: PEX26 (peroxisomal biogenesis factor 26; plus strand). Cytogenetic location: 22q11.21.
Variant type: single nucleotide variant.
Coding change: c.349C>T on transcript NM_001127649.3 (MANE Select); coding-DNA position 349, C replaced by T.
Protein change: p.Pro117Ser; replaces proline 117 with serine.
Molecular consequence: missense variant.
Genome position (GRCh38, 1-based): chr22:18,079,992, C>T. VCF-style: chr22-18079992-C-T. GRCh37 (hg19) VCF-style: chr22-18562758-C-T.
Other names: c.349C>T, p.Pro117Ser (NM_001199319.2, NM_017929.6); short protein forms P117S.
Identifiers: ClinVar variation 3896212 (VCV003896212.2).
Genomic context (GRCh38, chr22:18,079,992, plus strand): 5'-GATCGGTGGCAAGAAGTCCTCTCCTGGGTCCTTCAGTATTACCAGGTCCCTGAAAAGCTA[C>T]CCCCCAAAGTCCTGGAGCTGTGGTAAGTCTTCTTTGCTGACTCATCAGATCGGTTCAGAA-3'
Protein context (NP_001121121.1, residues 107-127): LQYYQVPEKL[Pro117Ser]PKVLELCILL